The following is an entry in ClinVar:

ClinVar aggregate classification (germline): Conflicting classifications of pathogenicity. Review status: criteria provided, conflicting classifications (1 of 4 stars). 2 submissions from 2 submitters: Pathogenic (1); Uncertain significance (1). Last evaluated 2025-09-02.

Conditions:
Joubert syndrome. Also called: Familial aplasia of the vermis; JOUBERT-BOLTSHAUSER SYNDROME. Identifiers: Orphanet 475, MedGen C5979921, MONDO:0018772.

Allele frequency attached by ClinVar (database versions not stated): TOPMed below 0.00001; gnomAD 0.00001.
gnomAD v4.1: 3 of 1,551,274 alleles (0.00019%); highest among the groups gnomAD compares: African/African-American, 0.0014%; no homozygotes.

Submissions (2):

Labcorp Genetics (formerly Invitae), Labcorp
Classification: Pathogenic for Joubert syndrome. Last evaluated: 2025-09-02. Review status: criteria provided, single submitter. Criteria: Invitae Variant Classification Sherloc (09022015). Collection method: clinical testing. Allele origin: germline.
Comment: This sequence change replaces arginine, which is basic and polar, with glutamine, which is neutral and polar, at codon 599 of the INPP5E protein (p.Arg599Gln). This variant is present in population databases (no rsID available, gnomAD 0.007%). This missense change has been observed in individual(s) with clinical features of retinitis pigmentosa (internal data). In at least one individual the data is consistent with being in trans (on the opposite chromosome) from a pathogenic variant. ClinVar contains an entry for this variant (Variation ID: 858607). Invitae Evidence Modeling of protein sequence and biophysical properties (such as structural, functional, and spatial information, amino acid conservation, physicochemical variation, residue mobility, and thermodynamic stability) indicates that this missense variant is expected to disrupt INPP5E protein function with a positive predictive value of 95%. For these reasons, this variant has been classified as Pathogenic.

CeGaT Center for Human Genetics Tuebingen
Classification: Uncertain significance. Last evaluated: 2025-01-01. Review status: criteria provided, single submitter. Criteria: CeGaT Center For Human Genetics Tuebingen Variant Classification Criteria Version 2. Collection method: clinical testing. Allele origin: germline. Affected: yes. Observed: 1 variant allele.
Comment: INPP5E: PM2

NM_019892.6(INPP5E):c.1796G>A (p.Arg599Gln)

Gene: INPP5E (inositol polyphosphate-5-phosphatase E; minus strand). Cytogenetic location: 9q34.3.
Variant type: single nucleotide variant.
Coding change: c.1796G>A on transcript NM_019892.6 (MANE Select); coding-DNA position 1796, G replaced by A.
Protein change: p.Arg599Gln; replaces arginine 599 with glutamine.
Molecular consequence: missense variant.
Genome position (GRCh38, 1-based): chr9:136,430,283, C>T on the plus strand (G>A on the coding strand, the complement: INPP5E is on the minus strand). VCF-style: chr9-136430283-C-T. GRCh37 (hg19) VCF-style: chr9-139324735-C-T.
Other names: c.1793G>A, p.Arg598Gln (NM_001318502.2); short protein forms R598Q, R599Q.
Identifiers: ClinVar variation 858607 (VCV000858607.23), dbSNP rs750836133, ClinGen allele CA201638261.